The following is an entry in ClinVar:

ClinVar aggregate classification (germline): Benign/Likely benign. Review status: criteria provided, multiple submitters, no conflicts (2 of 4 stars). 10 submissions from 9 submitters: Benign (5); Likely benign (3). 2 of the submissions do not count toward it. Last evaluated 2026-01-18.

Conditions:
Nephronophthisis. Also called: Juvenile Nephronophthisis. Identifiers: Orphanet 655, MedGen C0687120, MONDO:0019005, HP:0000090.
Nephronophthisis 4 (NPHP4). Also called: NEPHRONOPHTHISIS 4, JUVENILE. Identifiers: Orphanet 655, MedGen C1847013, MONDO:0011752, OMIM 606966.
Senior-Loken syndrome 4 (SLSN4). Identifiers: Orphanet 3156, MedGen C1846979, MONDO:0011756, OMIM 606996.

Allele frequency attached by ClinVar (database versions not stated): ESP Exome Variant Server 0.00419; gnomAD 0.00419 and 0.00443; TOPMed 0.00454; 1000 Genomes Project 0.00559; 1000 Genomes Project 30x 0.00609.
gnomAD v4.1: 1,251 of 1,613,932 alleles (0.078%); highest among the groups gnomAD compares: African/African-American, 1.4%; 10 homozygotes.

Submissions (10):

Labcorp Genetics (formerly Invitae), Labcorp
Classification: Benign for Nephronophthisis. Last evaluated: 2026-01-18. Review status: criteria provided, single submitter. Criteria: Invitae Variant Classification Sherloc (09022015). Collection method: clinical testing. Allele origin: germline.

Mayo Clinic Laboratories, Mayo Clinic
Classification: Benign. Last evaluated: 2025-08-27. Review status: criteria provided, single submitter. Criteria: ACMG Guidelines, 2015. Collection method: clinical testing. Allele origin: germline. Observed: 4 variant alleles.
Comment: BA1, BS2

Blueprint Genetics
Classification: Likely benign. Last evaluated: 2024-09-12. Review status: criteria provided, single submitter. Criteria: ACMG Guidelines, 2015. Collection method: clinical testing. Allele origin: germline.

Illumina Laboratory Services, Illumina
Classification: Benign for Senior-Loken syndrome 4. Last evaluated: 2017-04-28. Review status: criteria provided, single submitter. Criteria: ICSL Variant Classification Criteria 13 December 2019. Collection method: clinical testing. Allele origin: germline.
Comment: This variant was observed as part of a predisposition screen in an ostensibly healthy population. A literature search was performed for the gene, cDNA change, and amino acid change (where applicable). No publications were found based on this search. Allele frequency data from public databases was too high to be consistent with this variant causing disease. Therefore, this variant is classified as benign.

Illumina Laboratory Services, Illumina
Classification: Benign for Nephronophthisis 4. Last evaluated: 2017-04-28. Review status: criteria provided, single submitter. Criteria: ICSL Variant Classification Criteria 13 December 2019. Collection method: clinical testing. Allele origin: germline.
Comment: This variant was observed as part of a predisposition screen in an ostensibly healthy population. A literature search was performed for the gene, cDNA change, and amino acid change (where applicable). Publications were found based on this search. The evidence from the literature, in combination with allele frequency data from public databases where available, was sufficient to rule this variant out of causing disease. Therefore, this variant is classified as benign.

Center for Pediatric Genomic Medicine, Children's Mercy Hospital and Clinics
Classification: Likely benign. Last evaluated: 2015-08-25. Review status: criteria provided, single submitter. Criteria: ACMG Guidelines, 2015. Collection method: clinical testing. Allele origin: germline.
ClinVar note: Converted during submission from Likely Benign to Likely benign.

Breakthrough Genomics
Classification: Likely benign. Review status: criteria provided, single submitter. Criteria: ACMG Guidelines, 2015. Collection method: not provided. Allele origin: germline. Inheritance: Autosomal recessive inheritance. Affected: yes.

PreventionGenetics, part of Exact Sciences
Classification: Benign. Review status: criteria provided, single submitter. Criteria: ACMG Guidelines, 2015. Collection method: clinical testing. Allele origin: germline.

Clinical Genetics, Academic Medical Center
Classification: Benign. Review status: no assertion criteria provided. Collection method: clinical testing. Allele origin: germline. Affected: yes. Study: VKGL Data-share Consensus. Not counted in ClinVar's aggregate classification.

Genome Diagnostics Laboratory, University Medical Center Utrecht
Classification: Benign. Review status: no assertion criteria provided. Collection method: clinical testing. Allele origin: germline. Affected: yes. Study: VKGL Data-share Consensus. Not counted in ClinVar's aggregate classification.

Literature cited by the submitters: PubMed 23167750 (cited by Mayo Clinic Laboratories, Mayo Clinic and Illumina Laboratory Services, Illumina).

NM_015102.5(NPHP4):c.1705C>G (p.Gln569Glu)

Gene: NPHP4 (nephrocystin 4; minus strand). Cytogenetic location: 1p36.31.
Variant type: single nucleotide variant.
Coding change: c.1705C>G on transcript NM_015102.5 (MANE Select); coding-DNA position 1705, C replaced by G.
Protein change: p.Gln569Glu; replaces glutamine 569 with glutamic acid.
Molecular consequence: missense variant. On other transcripts: non-coding transcript variant (1).
Genome position (GRCh38, 1-based): chr1:5,905,690, G>C on the plus strand (C>G on the coding strand, the complement: NPHP4 is on the minus strand). VCF-style: chr1-5905690-G-C. GRCh37 (hg19) VCF-style: chr1-5965750-G-C.
Other names: p.Gln569Glu; c.166C>G, p.Gln56Glu (NM_001291593.2); c.169C>G, p.Gln57Glu (NM_001291594.2); short protein forms Q569E, Q57E, Q56E.
Identifiers: ClinVar variation 235419 (VCV000235419.23), dbSNP rs113413307, ClinGen allele CA554407.